The following is an entry in ClinVar:

NM_138409.4(MRAP2):c.349C>T (p.His117Tyr)

Gene: MRAP2 (melanocortin 2 receptor accessory protein 2; plus strand). Cytogenetic location: 6q14.2.
Variant type: single nucleotide variant.
Coding change: c.349C>T on transcript NM_138409.4 (MANE Select); coding-DNA position 349, C replaced by T.
Protein change: p.His117Tyr; replaces histidine 117 with tyrosine.
Molecular consequence: missense variant.
Genome position (GRCh38, 1-based): chr6:84,089,212, C>T. VCF-style: chr6-84089212-C-T. GRCh37 (hg19) VCF-style: chr6-84798931-C-T.
Other names: c.91C>T, p.His31Tyr (NM_001346541.2); c.349C>T, p.His117Tyr (NM_001346542.2, NM_001346544.2); c.184C>T, p.His62Tyr (NM_001346543.2); short protein forms H117Y, H31Y, H62Y.
Identifiers: ClinVar variation 3348763 (VCV003348763.1).

ClinVar aggregate classification (germline): Uncertain significance (0 of 4 stars; one submission).

Conditions:
MRAP2-related disorder. Also called: MRAP2-related condition.

Submission:

PreventionGenetics, part of Exact Sciences
Classification: Uncertain significance for MRAP2-related condition. Last evaluated: 2024-03-09. Review status: no assertion criteria provided. Collection method: clinical testing. Allele origin: germline.
Comment: The MRAP2 c.349C>T variant is predicted to result in the amino acid substitution p.His117Tyr. To our knowledge, this variant has not been reported in the literature or in a large population database, indicating this variant is rare. At this time, the clinical significance of this variant is uncertain due to the absence of conclusive functional and genetic evidence.